The following is an entry in ClinVar:

ClinVar aggregate classification (germline): Uncertain significance (1 of 4 stars; one submission).

Conditions:
Inborn genetic diseases. Identifiers: MedGen C0950123, MeSH D030342.

Submission:

Ambry Genetics
Classification: Uncertain significance for Inborn genetic diseases. Last evaluated: 2021-08-31. Review status: criteria provided, single submitter. Criteria: Ambry Variant Classification Scheme 2023. Collection method: clinical testing. Allele origin: germline.
Comment: The c.236_238delGCC (p.R79del) alteration is located in exon 3 (coding exon 3) of the RARS gene. This alteration consists of an in-frame deletion of 3 nucleotides between nucleotide positions c.236 and c.238, resulting in the deletion of 1 residue. Based on insufficient or conflicting evidence, the clinical significance of this alteration remains unclear.

NM_002887.4(RARS1):c.233GCC[1] (p.Arg79del)

Gene: RARS1 (arginyl-tRNA synthetase 1; plus strand). Cytogenetic location: 5q34.
Variant type: Microsatellite.
Coding change: c.233GCC[1] on transcript NM_002887.4 (MANE Select); one copy of the 3-base unit GCC starting at c.233; the reference has two copies in a row; one copy, 3 bases deleted.
Protein change: p.Arg79del; deletes arginine 79.
Molecular consequence: inframe deletion.
Genome position (GRCh38, 1-based): chr5:168,492,714-168,492,716, GCC deleted; deleting any 3 consecutive bases within chr5:168,492,711-168,492,716 gives the same sequence; the position shown is the placement nearest the transcript's 3' end. VCF-style (leftmost placement, unchanged base first): chr5-168492710-AGCC-A. GRCh37 (hg19) VCF-style: chr5-167919715-AGCC-A.
Other names: short protein forms R79del.
Identifiers: ClinVar variation 3151672 (VCV003151672.1), dbSNP rs1343698827, ClinGen allele CA564437634.